The following is an entry in ClinVar:

ClinVar aggregate classification (germline): Uncertain significance (1 of 4 stars; one submission).

Conditions:
Cardiovascular phenotype. Identifiers: MedGen CN230736.

gnomAD v4.1: 1 of 1,589,126 alleles (0.000063%); highest among the groups gnomAD compares: Non-Finnish European, 0.000086%; no homozygotes.

Submission:

Ambry Genetics
Classification: Uncertain significance for Cardiovascular phenotype. Last evaluated: 2022-06-14. Review status: criteria provided, single submitter. Criteria: Ambry Variant Classification Scheme 2023. Collection method: clinical testing. Allele origin: germline.
Comment: The p.A1042E variant (also known as c.3125C>A), located in coding exon 21 of the APOB gene, results from a C to A substitution at nucleotide position 3125. The alanine at codon 1042 is replaced by glutamic acid, an amino acid with dissimilar properties. This amino acid position is conserved. In addition, this alteration is predicted to be tolerated by in silico analysis. Since supporting evidence is limited at this time, the clinical significance of this alteration remains unclear.

NM_000384.3(APOB):c.3125C>A (p.Ala1042Glu)

Gene: APOB (apolipoprotein B; minus strand). Cytogenetic location: 2p24.1.
Variant type: single nucleotide variant.
Coding change: c.3125C>A on transcript NM_000384.3 (MANE Select); coding-DNA position 3125, C replaced by A.
Protein change: p.Ala1042Glu; replaces alanine 1042 with glutamic acid.
Molecular consequence: missense variant.
Genome position (GRCh38, 1-based): chr2:21,016,646, G>T on the plus strand (C>A on the coding strand, the complement: APOB is on the minus strand). VCF-style: chr2-21016646-G-T. GRCh37 (hg19) VCF-style: chr2-21239518-G-T.
Other names: short protein forms A1042E.
Identifiers: ClinVar variation 1727885 (VCV001727885.2), dbSNP rs61741467, ClinGen allele CA346009775.